The following is an entry in ClinVar:

ClinVar aggregate classification (germline): Benign (1 of 4 stars; one submission).

Allele frequency attached by ClinVar (database versions not stated): 1000 Genomes Project 0.48063; 1000 Genomes Project 30x 0.49219; TOPMed 0.57072; gnomAD 0.58169 and 0.59040.
gnomAD v4.1: 87,988 of 151,412 alleles (58%); highest among the groups gnomAD compares: Non-Finnish European, 61%; 26,006 homozygotes.

Submission:

GeneDx
Classification: Benign. Last evaluated: 2018-06-14. Review status: criteria provided, single submitter. Criteria: GeneDx Variant Classification (06012015). Collection method: clinical testing. Allele origin: germline. Affected: yes.
Comment: This variant is considered likely benign or benign based on one or more of the following criteria: it is a conservative change, it occurs at a poorly conserved position in the protein, it is predicted to be benign by multiple in silico algorithms, and/or has population frequency not consistent with disease.

NM_025150.5(TARS2):c.388-266C>T

Gene: TARS2 (threonyl-tRNA synthetase 2, mitochondrial; plus strand). Cytogenetic location: 1q21.2.
Variant type: single nucleotide variant.
Coding change: c.388-266C>T on transcript NM_025150.5 (MANE Select); 266 bases into the intron before coding-DNA position 388, C replaced by T.
Molecular consequence: intron variant.
Genome position (GRCh38, 1-based): chr1:150,490,335, C>T. VCF-style: chr1-150490335-C-T. GRCh37 (hg19) VCF-style: chr1-150462811-C-T.
Other names: c.388-266C>T (NM_001271895.2, NM_001271896.2).
Identifiers: ClinVar variation 680803 (VCV000680803.1), dbSNP rs9436118, ClinGen allele CA10815307.